The following is an entry in ClinVar:

NM_020638.3(FGF23):c.350A>G (p.His117Arg)

Gene: FGF23 (fibroblast growth factor 23; minus strand). Cytogenetic location: 12p13.32.
Variant type: single nucleotide variant.
Coding change: c.350A>G on transcript NM_020638.3 (MANE Select); coding-DNA position 350, A replaced by G.
Protein change: p.His117Arg; replaces histidine 117 with arginine.
Molecular consequence: missense variant.
Genome position (GRCh38, 1-based): chr12:4,370,749, T>C on the plus strand (A>G on the coding strand, the complement: FGF23 is on the minus strand). VCF-style: chr12-4370749-T-C. GRCh37 (hg19) VCF-style: chr12-4479915-T-C.
Other names: short protein forms H117R.
Identifiers: ClinVar variation 2790136 (VCV002790136.3), dbSNP rs1591672426, ClinGen allele CA383416476.

ClinVar aggregate classification (germline): Uncertain significance (1 of 4 stars; one submission).

Submission:

Labcorp Genetics (formerly Invitae), Labcorp
Classification: Uncertain significance. Last evaluated: 2024-10-24. Review status: criteria provided, single submitter. Criteria: Invitae Variant Classification Sherloc (09022015). Collection method: clinical testing. Allele origin: germline.
Comment: This sequence change replaces histidine, which is basic and polar, with arginine, which is basic and polar, at codon 117 of the FGF23 protein (p.His117Arg). This variant is not present in population databases (gnomAD no frequency). This variant has not been reported in the literature in individuals affected with FGF23-related conditions. Invitae Evidence Modeling of protein sequence and biophysical properties (such as structural, functional, and spatial information, amino acid conservation, physicochemical variation, residue mobility, and thermodynamic stability) has been performed for this missense variant. However, the output from this modeling did not meet the statistical confidence thresholds required to predict the impact of this variant on FGF23 protein function. In summary, the available evidence is currently insufficient to determine the role of this variant in disease. Therefore, it has been classified as a Variant of Uncertain Significance.